The following is an entry in ClinVar:

ClinVar aggregate classification (germline): Likely benign. Review status: criteria provided, multiple submitters, no conflicts (2 of 4 stars). 2 submissions from 2 submitters: Likely benign (2). Last evaluated 2026-04-01.

Submissions (2):

CeGaT Center for Human Genetics Tuebingen
Classification: Likely benign. Last evaluated: 2026-04-01. Review status: criteria provided, single submitter. Criteria: CeGaT Center For Human Genetics Tuebingen Variant Classification Criteria Version 2. Collection method: clinical testing. Allele origin: germline. Affected: yes. Observed: 1 variant allele.
Comment: GNB5: BP4, BP7

Blueprint Genetics
Classification: Likely benign. Last evaluated: 2023-10-16. Review status: criteria provided, single submitter. Criteria: ACMG Guidelines, 2015. Collection method: clinical testing. Allele origin: germline.

NM_016194.4(GNB5):c.597G>A (p.Ser199=)

Gene: GNB5 (G protein subunit beta 5; minus strand). Cytogenetic location: 15q21.2.
Variant type: single nucleotide variant.
Coding change: c.597G>A on transcript NM_016194.4 (MANE Select); coding-DNA position 597, G replaced by A.
Protein change: p.Ser199=; no amino-acid change (serine 199 retained).
Molecular consequence: synonymous variant.
Genome position (GRCh38, 1-based): chr15:52,141,170, C>T on the plus strand (G>A on the coding strand, the complement: GNB5 is on the minus strand). VCF-style: chr15-52141170-C-T. GRCh37 (hg19) VCF-style: chr15-52433367-C-T.
Other names: c.315G>A, p.Ser105= (NM_001379343.1); c.471G>A, p.Ser157= (NM_006578.4).
Identifiers: ClinVar variation 4873802 (VCV004873802.3).